The following is an entry in ClinVar:

ClinVar aggregate classification (germline): Uncertain significance. Review status: criteria provided, multiple submitters, no conflicts (2 of 4 stars). 2 submissions from 2 submitters: Uncertain significance (2). Last evaluated 2026-07-21.

Conditions:
Mucopolysaccharidosis type 7 (MPS7). Also called: BETA-GLUCURONIDASE DEFICIENCY; GUSB DEFICIENCY; SLY SYNDROME; MPS VII. Identifiers: Orphanet 584, MedGen C0085132, MONDO:0009662, OMIM 253220.
GUSB-related disorder. Also called: GUSB-related condition.

Allele frequency attached by ClinVar (database versions not stated): ExAC 0.00015; gnomAD 0.00016 and 0.00017; gnomAD exomes 0.00016 and 0.00043; TOPMed 0.00016; ESP Exome Variant Server 0.00031.

Submissions (2):

PreventionGenetics, part of Exact Sciences
Classification: Uncertain significance for GUSB-related condition. Last evaluated: 2026-07-21. Review status: criteria provided, single submitter. Criteria: ACMG Guidelines, 2015. Collection method: clinical testing. Allele origin: germline.
Comment: The GUSB c.1291G>A variant is predicted to result in the amino acid substitution p.Glu431Lys. To our knowledge, this variant has not been reported in the literature. This variant is reported in 0.033% of alleles in individuals of European (Non-Finnish) descent in gnomAD. At this time, the clinical significance of this variant is uncertain due to the absence of conclusive functional and genetic evidence.

Labcorp Genetics (formerly Invitae), Labcorp
Classification: Uncertain significance for Mucopolysaccharidosis type 7. Last evaluated: 2022-10-13. Review status: criteria provided, single submitter. Criteria: Invitae Variant Classification Sherloc (09022015). Collection method: clinical testing. Allele origin: germline.
Comment: This sequence change replaces glutamic acid, which is acidic and polar, with lysine, which is basic and polar, at codon 431 of the GUSB protein (p.Glu431Lys). This variant is present in population databases (rs143040697, gnomAD 0.03%). This variant has not been reported in the literature in individuals affected with GUSB-related conditions. ClinVar contains an entry for this variant (Variation ID: 842512). Advanced modeling of protein sequence and biophysical properties (such as structural, functional, and spatial information, amino acid conservation, physicochemical variation, residue mobility, and thermodynamic stability) performed at Invitae indicates that this missense variant is not expected to disrupt GUSB protein function. In summary, the available evidence is currently insufficient to determine the role of this variant in disease. Therefore, it has been classified as a Variant of Uncertain Significance.

NM_000181.4(GUSB):c.1291G>A (p.Glu431Lys)

Gene: GUSB (glucuronidase beta; minus strand). Cytogenetic location: 7q11.21.
Variant type: single nucleotide variant.
Coding change: c.1291G>A on transcript NM_000181.4 (MANE Select); coding-DNA position 1291, G replaced by A.
Protein change: p.Glu431Lys; replaces glutamic acid 431 with lysine.
Molecular consequence: missense variant. On other transcripts: non-coding transcript variant (1).
Genome position (GRCh38, 1-based): chr7:65,974,395, C>T on the plus strand (G>A on the coding strand, the complement: GUSB is on the minus strand). VCF-style: chr7-65974395-C-T. GRCh37 (hg19) VCF-style: chr7-65439382-C-T.
Other names: c.853G>A, p.Glu285Lys (NM_001284290.2); c.721G>A, p.Glu241Lys (NM_001293104.2); c.634G>A, p.Glu212Lys (NM_001293105.2); short protein forms E212K, E241K, E431K, E285K.
Identifiers: ClinVar variation 842512 (VCV000842512.6), dbSNP rs143040697, ClinGen allele CA4276311.
Genomic context (GRCh38, chr7:65,974,395, plus strand): 5'-CGTTGGCCACAGACCACATCACGACCGCGGGGTGGTTCTTGTCCCTACGCACCACTTCTT[C>T]CATCACCTGCATGTGGTGATGCAGAGAAACGTTGTTGAAGAACTGCCTGCGGGCCAGGAG-3'
Protein context (NP_000172.2, residues 421-441): VSLHHHMQVM[Glu431Lys]EVVRRDKNHP